The following is an entry in ClinVar:

NM_024675.4(PALB2):c.3401C>A (p.Ser1134Tyr)

Gene: PALB2 (partner and localizer of BRCA2; minus strand). Cytogenetic location: 16p12.2.
Variant type: single nucleotide variant.
Coding change: c.3401C>A on transcript NM_024675.4 (MANE Select); coding-DNA position 3401, C replaced by A.
Protein change: p.Ser1134Tyr; replaces serine 1134 with tyrosine.
Molecular consequence: missense variant.
Genome position (GRCh38, 1-based): chr16:23,603,619, G>T on the plus strand (C>A on the coding strand, the complement: PALB2 is on the minus strand). VCF-style: chr16-23603619-G-T. GRCh37 (hg19) VCF-style: chr16-23614940-G-T.
Other names: c.3341C>A, p.Ser1114Tyr (NM_001407296.1); c.3329C>A, p.Ser1110Tyr (NM_001407297.1); c.3239C>A, p.Ser1080Tyr (NM_001407298.1); c.3164C>A, p.Ser1055Tyr (NM_001407299.1); c.3122C>A, p.Ser1041Tyr (NM_001407300.1); c.*36C>A (NM_001407301.1, NM_001407302.1, NM_001407310.1 and 2 more transcripts); c.2516C>A, p.Ser839Tyr (NM_001407304.1, NM_001407305.1, NM_001407306.1); c.2354C>A, p.Ser785Tyr (NM_001407307.1); and 3 more; short protein forms S1114Y, S312Y, S760Y, S1080Y, S1110Y, S1055Y, S1134Y, S538Y.
Identifiers: ClinVar variation 1731073 (VCV001731073.2), dbSNP rs2142254621, ClinGen allele CA395138245.

ClinVar aggregate classification (germline): Uncertain significance (1 of 4 stars; one submission).

Conditions:
Hereditary cancer-predisposing syndrome. Also called: Neoplastic Syndromes, Hereditary; Tumor predisposition; Hereditary Cancer Syndrome; Hereditary neoplastic syndrome. Identifiers: Orphanet 140162, MedGen C0027672, MeSH D009386, MONDO:0015356.

Submission:

Ambry Genetics
Classification: Uncertain significance for Hereditary cancer-predisposing syndrome. Last evaluated: 2021-02-17. Review status: criteria provided, single submitter. Criteria: Ambry Variant Classification Scheme 2023. Collection method: clinical testing. Allele origin: germline.
Comment: The p.S1134Y variant (also known as c.3401C>A), located in coding exon 13 of the PALB2 gene, results from a C to A substitution at nucleotide position 3401. The serine at codon 1134 is replaced by tyrosine, an amino acid with dissimilar properties. This amino acid position is highly conserved in available vertebrate species. In addition, the in silico prediction for this alteration is inconclusive. Since supporting evidence is limited at this time, the clinical significance of this alteration remains unclear.